The following is an entry in ClinVar:

NM_144997.7(FLCN):c.462C>T (p.His154=)

Gene: FLCN (folliculin; minus strand). Cytogenetic location: 17p11.2.
Variant type: single nucleotide variant.
Coding change: c.462C>T on transcript NM_144997.7 (MANE Select); coding-DNA position 462, C replaced by T.
Protein change: p.His154=; no amino-acid change (histidine 154 retained).
Molecular consequence: synonymous variant.
Genome position (GRCh38, 1-based): chr17:17,224,078, G>A on the plus strand (C>T on the coding strand, the complement: FLCN is on the minus strand). VCF-style: chr17-17224078-G-A. GRCh37 (hg19) VCF-style: chr17-17127392-G-A.
Other names: c.516C>T, p.His172= (NM_001353229.2); c.462C>T, p.His154= (NM_001353230.2, NM_001353231.2, NM_144606.7).
Identifiers: ClinVar variation 2095533 (VCV002095533.6), dbSNP rs2144980152, ClinGen allele CA498166531.

ClinVar aggregate classification (germline): Benign/Likely benign. Review status: criteria provided, multiple submitters, no conflicts (2 of 4 stars). 3 submissions from 3 submitters: Benign (1); Likely benign (2). Last evaluated 2024-11-25.

Conditions:
Birt-Hogg-Dube syndrome 1 (BHD1). Also called: FIBROFOLLICULOMAS WITH TRICHODISCOMAS AND ACROCHORDONS. Identifiers: Orphanet 122, MedGen CN375946, MONDO:0800445, OMIM 135150.
Hereditary cancer-predisposing syndrome. Also called: Tumor predisposition; Neoplastic Syndromes, Hereditary; Hereditary neoplastic syndrome; Hereditary Cancer Syndrome. Identifiers: Orphanet 140162, MedGen C0027672, MeSH D009386, MONDO:0015356.
Birt-Hogg-Dube syndrome. Also called: Birt Hogg Dubé syndrome. Identifiers: Orphanet 122, MedGen C0346010, MONDO:0800444.

Allele frequency attached by ClinVar (database versions not stated): gnomAD exomes below 0.00001.
gnomAD v4.1: 3 of 1,613,360 alleles (0.00019%); highest among the groups gnomAD compares: South Asian, 0.0022%; no homozygotes.

Submissions (3):

Ambry Genetics
Classification: Likely benign for Hereditary cancer-predisposing syndrome. Last evaluated: 2024-11-25. Review status: criteria provided, single submitter. Criteria: Ambry Variant Classification Scheme 2023. Collection method: clinical testing. Allele origin: germline.

Myriad Genetics, Inc.
Classification: Benign for Birt-Hogg-Dube syndrome 1. Last evaluated: 2024-10-22. Review status: criteria provided, single submitter. Criteria: Myriad Autosomal Dominant, Autosomal Recessive and X-Linked Classification Criteria (2023). Collection method: clinical testing. Allele origin: unknown.
Comment: This variant is considered benign. This variant is a silent/synonymous amino acid change and it is not expected to impact splicing.

Labcorp Genetics (formerly Invitae), Labcorp
Classification: Likely benign for Birt-Hogg-Dube syndrome. Last evaluated: 2022-02-20. Review status: criteria provided, single submitter. Criteria: Invitae Variant Classification Sherloc (09022015). Collection method: clinical testing. Allele origin: germline.